The following is an entry in ClinVar:

ClinVar aggregate classification (germline): Uncertain significance (1 of 4 stars; one submission).

Conditions:
Ataxia-telangiectasia syndrome (AT). Also called: ATAXIA-TELANGIECTASIA, FRESNO VARIANT; Ataxia-telangiectasia, complementation group D; AT, COMPLEMENTATION GROUP C; Ataxia-telangiectasia; Ataxia-telangiectasia, complementation group E; Ataxia telangiectasia (A-T). Identifiers: Orphanet 100, MedGen C0004135, MONDO:0008840, OMIM 208900.

Submission:

Labcorp Genetics (formerly Invitae), Labcorp
Classification: Uncertain significance for Ataxia-telangiectasia syndrome. Last evaluated: 2020-04-17. Review status: criteria provided, single submitter. Criteria: Invitae Variant Classification Sherloc (09022015). Collection method: clinical testing. Allele origin: germline.
Comment: This sequence change replaces leucine with histidine at codon 1465 of the ATM protein (p.Leu1465His). The leucine residue is highly conserved and there is a moderate physicochemical difference between leucine and histidine. This variant is not present in population databases (ExAC no frequency). This variant has not been reported in the literature in individuals with ATM-related conditions. Algorithms developed to predict the effect of missense changes on protein structure and function (SIFT, PolyPhen-2, Align-GVGD) all suggest that this variant is likely to be disruptive, but these predictions have not been confirmed by published functional studies and their clinical significance is uncertain. In summary, the available evidence is currently insufficient to determine the role of this variant in disease. Therefore, it has been classified as a Variant of Uncertain Significance.

NM_000051.4(ATM):c.4394T>A (p.Leu1465His)

Gene: ATM (ATM serine/threonine kinase; plus strand). Cytogenetic location: 11q22.3.
Variant type: single nucleotide variant.
Coding change: c.4394T>A on transcript NM_000051.4 (MANE Select); coding-DNA position 4394, T replaced by A.
Protein change: p.Leu1465His; replaces leucine 1465 with histidine.
Molecular consequence: missense variant.
Genome position (GRCh38, 1-based): chr11:108,289,759, T>A. VCF-style: chr11-108289759-T-A. GRCh37 (hg19) VCF-style: chr11-108160486-T-A.
Other names: c.4394T>A, p.Leu1465His (NM_001351834.2); short protein forms L1465H.
Identifiers: ClinVar variation 1059015 (VCV001059015.9), dbSNP rs730881391, ClinGen allele CA382532191.